The following is an entry in ClinVar:

NM_001372051.1(CASP8):c.659A>G (p.Gln220Arg)

Gene: CASP8 (caspase 8; plus strand). Cytogenetic location: 2q33.1.
Variant type: single nucleotide variant.
Coding change: c.659A>G on transcript NM_001372051.1 (MANE Select); coding-DNA position 659, A replaced by G.
Protein change: p.Gln220Arg; replaces glutamine 220 with arginine.
Molecular consequence: missense variant. On other transcripts: non-coding transcript variant (19), intron variant (16).
Genome position (GRCh38, 1-based): chr2:201,274,952, A>G. VCF-style: chr2-201274952-A-G. GRCh37 (hg19) VCF-style: chr2-202139675-A-G.
Other names: c.614A>G, p.Gln205Arg (NM_001080124.2, NM_001400658.1, NM_001400659.1 and 5 more transcripts); c.836A>G, p.Gln279Arg (NM_001080125.2); c.710A>G, p.Gln237Arg (NM_001228.5); c.791A>G, p.Gln264Arg (NM_001400642.1); c.659A>G, p.Gln220Arg (NM_001400648.1, NM_001400651.1, NM_001400653.1 and 6 more transcripts); c.350A>G, p.Gln117Arg (NM_001400669.1); c.44A>G, p.Gln15Arg (NM_001400674.1, NM_001400680.1); c.19-1875A>G (NM_001400677.1, NM_001400751.1, NM_001400678.1 and 2 more transcripts); and 7 more; short protein forms Q205R, Q220R, Q279R, Q237R, Q117R, Q15R, Q264R.
Identifiers: ClinVar variation 938065 (VCV000938065.9), dbSNP rs1948529448, ClinGen allele CA350293218.

ClinVar aggregate classification (germline): Uncertain significance. Review status: criteria provided, multiple submitters, no conflicts (2 of 4 stars). 2 submissions from 2 submitters: Uncertain significance (2). Last evaluated 2019-07-30.

Conditions:
Autoimmune lymphoproliferative syndrome type 2B. Also called: AUTOIMMUNE LYMPHOPROLIFERATIVE SYNDROME, TYPE IIB. Identifiers: Orphanet 275517, MedGen C1846545, MONDO:0011804, OMIM 607271.

Submissions (2):

Blueprint Genetics
Classification: Uncertain significance. Last evaluated: 2019-07-30. Review status: criteria provided, single submitter. Criteria: ACMG Guidelines, 2015. Collection method: clinical testing. Allele origin: germline.

Labcorp Genetics (formerly Invitae), Labcorp
Classification: Uncertain significance for Autoimmune lymphoproliferative syndrome type 2B. Last evaluated: 2019-06-24. Review status: criteria provided, single submitter. Criteria: Invitae Variant Classification Sherloc (09022015). Collection method: clinical testing. Allele origin: germline.
Comment: In summary, the available evidence is currently insufficient to determine the role of this variant in disease. Therefore, it has been classified as a Variant of Uncertain Significance. Algorithms developed to predict the effect of sequence changes on RNA splicing suggest that this variant may disrupt the consensus splice site, but this prediction has not been confirmed by published transcriptional studies. This variant has been reported to affect CASP8 protein function (PMID: 30267714). This variant has been observed in individuals affected with very early onset inflammatory bowel disease (PMID: 30267714). This variant is not present in population databases (ExAC no frequency). This sequence change replaces glutamine with arginine at codon 237 of the CASP8 protein (p.Gln237Arg). The glutamine residue is weakly conserved and there is a small physicochemical difference between glutamine and arginine.

Literature cited by the submitters: PubMed 30267714 (cited by Labcorp Genetics (formerly Invitae), Labcorp).